The following is an entry in ClinVar:

NM_000051.4(ATM):c.8462T>G (p.Met2821Arg)

Genes: ATM (ATM serine/threonine kinase; plus strand), C11orf65 (chromosome 11 open reading frame 65; minus strand). Cytogenetic location: 11q22.3.
Variant type: single nucleotide variant.
Coding change: c.8462T>G on transcript NM_000051.4 (MANE Select); coding-DNA position 8462, T replaced by G.
Protein change: p.Met2821Arg; replaces methionine 2821 with arginine.
Molecular consequence: missense variant. On other transcripts: intron variant (2).
Genome position (GRCh38, 1-based): chr11:108,345,786, T>G. VCF-style: chr11-108345786-T-G. GRCh37 (hg19) VCF-style: chr11-108216513-T-G.
Other names: c.8462T>G, p.Met2821Arg (NM_001351834.2); c.641-36715A>C (NM_001330368.2); c.695-10494A>C (NM_001351110.2); short protein forms M2821R.
Identifiers: ClinVar variation 482540 (VCV000482540.16), dbSNP rs1555138065, ClinGen allele CA382517950.

ClinVar aggregate classification (germline): Uncertain significance. Review status: criteria provided, multiple submitters, no conflicts (2 of 4 stars). 5 submissions from 5 submitters: Uncertain significance (5). Last evaluated 2025-04-19.

Conditions:
Hereditary cancer-predisposing syndrome. Also called: Neoplastic Syndromes, Hereditary; Hereditary Cancer Syndrome; Tumor predisposition; Hereditary neoplastic syndrome. Identifiers: Orphanet 140162, MedGen C0027672, MeSH D009386, MONDO:0015356.
Familial cancer of breast. Also called: Hereditary breast cancer; BREAST CANCER, FAMILIAL; hereditary breast carcinoma. Identifiers: Orphanet 227535, MedGen C0346153, MONDO:0016419, OMIM 114480. Disease mechanism: loss of function.
Ataxia-telangiectasia syndrome (AT). Also called: LOUIS-BAR SYNDROME; Cerebello-oculocutaneous telangiectasia; Immunodeficiency with ataxia telangiectasia; Ataxia-telangiectasia, complementation group D; AT, COMPLEMENTATION GROUP C; Ataxia-telangiectasia, complementation group E. Identifiers: Orphanet 100, MedGen C0004135, MONDO:0008840, OMIM 208900.

Allele frequency attached by ClinVar (database versions not stated): TOPMed below 0.00001; gnomAD exomes below 0.00001.
gnomAD v4.1: 1 of 1,613,752 alleles (0.000062%); highest among the groups gnomAD compares: Non-Finnish European, 0.000085%; no homozygotes.

Submissions (5):

Women's Health and Genetics/Laboratory Corporation of America, LabCorp
Classification: Uncertain significance. Last evaluated: 2025-04-19. Review status: criteria provided, single submitter. Criteria: LabCorp Variant Classification Summary - May 2015. Collection method: clinical testing. Allele origin: germline.

Color Diagnostics, LLC DBA Color Health
Classification: Uncertain significance for Hereditary cancer-predisposing syndrome. Last evaluated: 2024-03-06. Review status: criteria provided, single submitter. Criteria: ACMG Guidelines, 2015. Collection method: clinical testing. Allele origin: germline.
Comment: This missense variant replaces methionine with arginine at codon 2821 of the ATM protein. Computational prediction suggests that this variant may not impact protein structure and function (internally defined REVEL score threshold <= 0.5, PMID: 27666373). To our knowledge, functional studies have not been reported for this variant. This variant has not been reported in individuals affected with hereditary cancer in the literature. This variant has not been identified in the general population by the Genome Aggregation Database (gnomAD). The available evidence is insufficient to determine the role of this variant in disease conclusively. Therefore, this variant is classified as a Variant of Uncertain Significance.

Labcorp Genetics (formerly Invitae), Labcorp
Classification: Uncertain significance for Ataxia-telangiectasia syndrome. Last evaluated: 2024-02-24. Review status: criteria provided, single submitter. Criteria: Invitae Variant Classification Sherloc (09022015). Collection method: clinical testing. Allele origin: germline.
Comment: This sequence change replaces methionine, which is neutral and non-polar, with arginine, which is basic and polar, at codon 2821 of the ATM protein (p.Met2821Arg). This variant is not present in population databases (gnomAD no frequency). This variant has not been reported in the literature in individuals affected with ATM-related conditions. ClinVar contains an entry for this variant (Variation ID: 482540). An algorithm developed to predict the effect of missense changes on protein structure and function (PolyPhen-2) suggests that this variant is likely to be tolerated. In summary, the available evidence is currently insufficient to determine the role of this variant in disease. Therefore, it has been classified as a Variant of Uncertain Significance.

Ambry Genetics
Classification: Uncertain significance for Hereditary cancer-predisposing syndrome. Last evaluated: 2024-01-14. Review status: criteria provided, single submitter. Criteria: Ambry Variant Classification Scheme 2023. Collection method: clinical testing. Allele origin: germline.
Comment: The p.M2821R variant (also known as c.8462T>G), located in coding exon 57 of the ATM gene, results from a T to G substitution at nucleotide position 8462. The methionine at codon 2821 is replaced by arginine, an amino acid with similar properties. This amino acid position is not well conserved in available vertebrate species. In addition, this alteration is predicted to be tolerated by in silico analysis. Since supporting evidence is limited at this time, the clinical significance of this alteration remains unclear.

Baylor Genetics
Classification: Uncertain significance for Familial cancer of breast. Last evaluated: 2023-08-13. Review status: criteria provided, single submitter. Criteria: ACMG Guidelines, 2015. Collection method: clinical testing. Allele origin: unknown.